The following is an entry in ClinVar:

NM_001754.5(RUNX1):c.541A>T (p.Thr181Ser)

Genes: RUNX1 (RUNX family transcription factor 1; minus strand), RUNX1-AS1 (RUNX1 antisense RNA 1; plus strand). Cytogenetic location: 21q22.12.
Variant type: single nucleotide variant.
Coding change: c.541A>T on transcript NM_001754.5 (MANE Select); coding-DNA position 541, A replaced by T.
Protein change: p.Thr181Ser; replaces threonine 181 with serine.
Molecular consequence: missense variant.
Genome position (GRCh38, 1-based): chr21:34,859,546, T>A on the plus strand (A>T on the coding strand, the complement: RUNX1 is on the minus strand). VCF-style: chr21-34859546-T-A. GRCh37 (hg19) VCF-style: chr21-36231843-T-A.
Other names: c.460A>T, p.Thr154Ser (NM_001001890.3, NM_001122607.2); short protein forms T154S, T181S.
Identifiers: ClinVar variation 4719269 (VCV004719269.1).

ClinVar aggregate classification (germline): Uncertain significance (1 of 4 stars; one submission).

Conditions:
Hereditary thrombocytopenia and hematological cancer predisposition syndrome associated with RUNX1. Also called: Familial Platelet Disorder with Propensity to Acute Myelogenous Leukemia; Familial thrombocytopenia with propensity to acute myelogenous leukemia; PLATELET DISORDER, ASPIRIN-LIKE; RUNX1 Familial Platelet Disorder with Associated Myeloid Malignancies. Identifiers: Orphanet 71290, MedGen C1832388, MeSH C563324, MONDO:0100083, OMIM 601399.

Submission:

Labcorp Genetics (formerly Invitae), Labcorp
Classification: Uncertain significance for Hereditary thrombocytopenia and hematological cancer predisposition syndrome associated with RUNX1. Last evaluated: 2025-05-04. Review status: criteria provided, single submitter. Criteria: Invitae Variant Classification Sherloc (09022015). Collection method: clinical testing. Allele origin: germline.
Comment: This sequence change replaces threonine, which is neutral and polar, with serine, which is neutral and polar, at codon 181 of the RUNX1 protein (p.Thr181Ser). This variant is not present in population databases (gnomAD no frequency). This variant has not been reported in the literature in individuals affected with RUNX1-related conditions. Invitae Evidence Modeling of protein sequence and biophysical properties (such as structural, functional, and spatial information, amino acid conservation, physicochemical variation, residue mobility, and thermodynamic stability) has been performed for this missense variant. However, the output from this modeling did not meet the statistical confidence thresholds required to predict the impact of this variant on RUNX1 protein function. In summary, the available evidence is currently insufficient to determine the role of this variant in disease. Therefore, it has been classified as a Variant of Uncertain Significance.